The following is an entry in ClinVar:

ClinVar aggregate classification (germline): Conflicting classifications of pathogenicity. Review status: criteria provided, conflicting classifications (1 of 4 stars). 2 submissions from 2 submitters: Uncertain significance (1); Likely benign (1). Last evaluated 2025-10-26.

Conditions:
Carney-Stratakis syndrome. Also called: PARAGANGLIOMA AND GASTROINTESTINAL STROMAL TUMOR. Identifiers: Orphanet 97286, MedGen C1847319, MONDO:0011740, OMIM 606864.
Pheochromocytoma. Also called: MAX-Related Hereditary Paraganglioma-Pheochromocytoma Syndrome. Identifiers: Orphanet 29072, MedGen C0031511, MONDO:0008233, OMIM 171300, HP:0002666.
Paragangliomas with sensorineural hearing loss. Identifiers: MedGen C1868633.
Cowden syndrome 3 (CWS3). Identifiers: Orphanet 201, MedGen CN166604, MONDO:0014045.
Hereditary cancer-predisposing syndrome. Also called: Hereditary neoplastic syndrome; Neoplastic Syndromes, Hereditary; Hereditary Cancer Syndrome; Tumor predisposition. Identifiers: Orphanet 140162, MedGen C0027672, MeSH D009386, MONDO:0015356.

Submissions (2):

Ambry Genetics
Classification: Likely benign for Hereditary cancer-predisposing syndrome. Last evaluated: 2025-10-26. Review status: criteria provided, single submitter. Criteria: Ambry Variant Classification Scheme 2023. Collection method: clinical testing. Allele origin: germline.

Labcorp Genetics (formerly Invitae), Labcorp
Classification: Uncertain significance for Carney-Stratakis syndrome; Paragangliomas with sensorineural hearing loss; Pheochromocytoma; Cowden syndrome 3. Last evaluated: 2024-08-28. Review status: criteria provided, single submitter. Criteria: Invitae Variant Classification Sherloc (09022015). Collection method: clinical testing. Allele origin: germline.
Comment: This sequence change affects codon 77 of the SDHD mRNA. It is a 'silent' change, meaning that it does not change the encoded amino acid sequence of the SDHD protein. This variant is not present in population databases (gnomAD no frequency). This variant has not been reported in the literature in individuals affected with SDHD-related conditions. ClinVar contains an entry for this variant (Variation ID: 967812). Studies have shown that this variant is associated with inconclusive levels of altered splicing (internal data). In summary, the available evidence is currently insufficient to determine the role of this variant in disease. Therefore, it has been classified as a Variant of Uncertain Significance.

NM_003002.4(SDHD):c.231G>A (p.Leu77=)

Gene: SDHD (succinate dehydrogenase complex subunit D; plus strand). Cytogenetic location: 11q23.1.
Variant type: single nucleotide variant.
Coding change: c.231G>A on transcript NM_003002.4 (MANE Select); coding-DNA position 231, G replaced by A.
Protein change: p.Leu77=; no amino-acid change (leucine 77 retained).
Molecular consequence: synonymous variant. On other transcripts: non-coding transcript variant (1), intron variant (1).
Genome position (GRCh38, 1-based): chr11:112,088,928, G>A. VCF-style: chr11-112088928-G-A. GRCh37 (hg19) VCF-style: chr11-111959652-G-A.
Other names: c.114G>A, p.Leu38= (NM_001276504.2); c.231G>A, p.Leu77= (NM_001276506.2); c.169+955G>A (NM_001276503.2); c.231G>A (NM_003002.2).
Identifiers: ClinVar variation 967812 (VCV000967812.12), dbSNP rs1187106228, ClinGen allele CA476790401.